The following is an entry in ClinVar:

NM_001142800.2(EYS):c.7571G>A (p.Trp2524Ter)

Gene: EYS (EGF-like photoreceptor maintenance factor; minus strand). Cytogenetic location: 6q12.
Variant type: single nucleotide variant.
Coding change: c.7571G>A on transcript NM_001142800.2 (MANE Select); coding-DNA position 7571, G replaced by A.
Protein change: p.Trp2524Ter; replaces tryptophan 2524 with a stop codon.
Molecular consequence: nonsense.
Genome position (GRCh38, 1-based): chr6:63,789,065, C>T on the plus strand (G>A on the coding strand, the complement: EYS is on the minus strand). VCF-style: chr6-63789065-C-T. GRCh37 (hg19) VCF-style: chr6-64498958-C-T.
Other names: c.7571G>A, p.Trp2524Ter (NM_001292009.2); short protein forms W2524*.
Identifiers: ClinVar variation 1455126 (VCV001455126.6), dbSNP rs2149670847, ClinGen allele CA364385584.
Genomic context (GRCh38, chr6:63,789,065, plus strand): 5'-ACAATATACTAGTGCTCTCAGTTTGTGGAAGTGACGAAGGAATGACTCTTTACCTTCAGC[C>T]AGCCCTCTTGGAAGAACTTGCCCAGATGAACAGTGTGGACTCCAAGGCTCAGATTGAGGG-3'

ClinVar aggregate classification (germline): Pathogenic (1 of 4 stars; one submission).

Submission:

Labcorp Genetics (formerly Invitae), Labcorp
Classification: Pathogenic. Last evaluated: 2021-08-07. Review status: criteria provided, single submitter. Criteria: Invitae Variant Classification Sherloc (09022015). Collection method: clinical testing. Allele origin: germline.
Comment: For these reasons, this variant has been classified as Pathogenic. This variant has not been reported in the literature in individuals affected with EYS-related conditions. This variant is not present in population databases (ExAC no frequency). This sequence change creates a premature translational stop signal (p.Trp2524*) in the EYS gene. It is expected to result in an absent or disrupted protein product. Loss-of-function variants in EYS are known to be pathogenic (PMID: 18836446, 20333770).

Literature cited by the submitters: PubMed 18836446; PubMed 20333770.